The following is an entry in ClinVar:

NM_000316.3(PTH1R):c.1255G>A (p.Val419Ile)

Gene: PTH1R (parathyroid hormone 1 receptor; plus strand). Cytogenetic location: 3p21.31.
Variant type: single nucleotide variant.
Coding change: c.1255G>A on transcript NM_000316.3 (MANE Select); coding-DNA position 1255, G replaced by A.
Protein change: p.Val419Ile; replaces valine 419 with isoleucine.
Molecular consequence: missense variant.
Genome position (GRCh38, 1-based): chr3:46,902,569, G>A. VCF-style: chr3-46902569-G-A. GRCh37 (hg19) VCF-style: chr3-46944059-G-A.
Other names: c.1255G>A, p.Val419Ile (NM_001184744.1); short protein forms V419I.
Identifiers: ClinVar variation 345594 (VCV000345594.23), dbSNP rs758673796, ClinGen allele CA2359473.

ClinVar aggregate classification (germline): Conflicting classifications of pathogenicity. Review status: criteria provided, conflicting classifications (1 of 4 stars). 6 submissions from 5 submitters: Uncertain significance (5); Benign (1). Last evaluated 2025-05-14.

Conditions:
Inborn genetic diseases. Identifiers: MedGen C0950123, MeSH D030342.
Metaphyseal chondrodysplasia, Jansen type. Also called: Metaphyseal chondrodysplasia Murk Jansen type; PTH1R-Related Jansen Metaphyseal Chondrodysplasia. Identifiers: Orphanet 33067, MedGen C0265295, MONDO:0007982, OMIM 156400.
Chondrodysplasia Blomstrand type (BOCD). Identifiers: Orphanet 50945, MedGen C1859148, MONDO:0008970, OMIM 215045.

Allele frequency attached by ClinVar (database versions not stated): gnomAD exomes 0.00001 and 0.00004; TOPMed 0.00002; ExAC 0.00005; gnomAD 0.00005.
gnomAD v4.1: 31 of 1,613,308 alleles (0.0019%); highest among the groups gnomAD compares: Middle Eastern, 0.036%; no homozygotes.

Submissions (6):

Ambry Genetics
Classification: Uncertain significance for Inborn genetic diseases. Last evaluated: 2025-05-14. Review status: criteria provided, single submitter. Criteria: Ambry Variant Classification Scheme 2023. Collection method: clinical testing. Allele origin: germline.

Labcorp Genetics (formerly Invitae), Labcorp
Classification: Uncertain significance. Last evaluated: 2024-05-28. Review status: criteria provided, single submitter. Criteria: Invitae Variant Classification Sherloc (09022015). Collection method: clinical testing. Allele origin: germline.
Comment: This sequence change replaces valine, which is neutral and non-polar, with isoleucine, which is neutral and non-polar, at codon 419 of the PTH1R protein (p.Val419Ile). This variant is present in population databases (rs758673796, gnomAD 0.03%). This variant has not been reported in the literature in individuals affected with PTH1R-related conditions. ClinVar contains an entry for this variant (Variation ID: 345594). Advanced modeling of protein sequence and biophysical properties (such as structural, functional, and spatial information, amino acid conservation, physicochemical variation, residue mobility, and thermodynamic stability) performed at Invitae indicates that this missense variant is not expected to disrupt PTH1R protein function with a negative predictive value of 80%. In summary, the available evidence is currently insufficient to determine the role of this variant in disease. Therefore, it has been classified as a Variant of Uncertain Significance.

ARUP Laboratories, Molecular Genetics and Genomics, ARUP Laboratories
Classification: Uncertain significance. Last evaluated: 2019-02-15. Review status: criteria provided, single submitter. Criteria: ARUP Molecular Germline Variant Investigation Process. Collection method: clinical testing. Allele origin: germline.
Comment: The p.Val419Ile variant (rs758673796) has not been reported in the medical literature, gene specific variation databases, nor has it been previously identified by our laboratory. This variant is listed in the Genome Aggregation Database (gnomAD) with a frequency of 0.03 percent in the East Asian population (identified on 5 out of 18,854 chromosomes) and has been reported to the ClinVar database (Variation ID: 345594). The valine at position 419 is highly conserved and computational analyses of the effects of the p.Val419Ile variant on protein structure and function provides conflicting results (SIFT: tolerated, PolyPhen-2: probably damaging). Altogether, there is not enough evidence to classify the p.Val419Ile variant with certainty.

Genomic Research Center, Shahid Beheshti University of Medical Sciences
Classification: Uncertain significance. Last evaluated: 2018-08-07. Review status: criteria provided, single submitter. Criteria: ACMG Guidelines, 2015. Collection method: clinical testing. Allele origin: inherited. Affected: yes. Observed: 1 variant allele.

Illumina Laboratory Services, Illumina
Classification: Benign for Metaphyseal chondrodysplasia, Jansen type. Last evaluated: 2018-01-12. Review status: criteria provided, single submitter. Criteria: ICSL Variant Classification Criteria 13 December 2019. Collection method: clinical testing. Allele origin: germline.
Comment: This variant was observed in the ICSL laboratory as part of a predisposition screen in an ostensibly healthy population. It had not been previously curated by ICSL or reported in the Human Gene Mutation Database (HGMD: prior to June 1st, 2018), and was therefore a candidate for classification through an automated scoring system. Utilizing variant allele frequency, disease prevalence and penetrance estimates, and inheritance mode, an automated score was calculated to assess if this variant is too frequent to cause the disease. Based on the score and internal cut-off values, a variant classified as benign is not then subjected to further curation. The score for this variant resulted in a classification of benign for this disease.

Illumina Laboratory Services, Illumina
Classification: Uncertain significance for Chondrodysplasia Blomstrand type. Last evaluated: 2018-01-12. Review status: criteria provided, single submitter. Criteria: ICSL Variant Classification Criteria 13 December 2019. Collection method: clinical testing. Allele origin: germline.